The following is an entry in ClinVar:

ClinVar aggregate classification (germline): Likely benign. Review status: criteria provided, multiple submitters, no conflicts (2 of 4 stars). 2 submissions from 2 submitters: Likely benign (2). Last evaluated 2024-05-20.

Conditions:
Hypertrophic cardiomyopathy. Also called: HYPERTROPHIC MYOCARDIOPATHY. Identifiers: Orphanet 217569, MedGen C0007194, MeSH D002312, MONDO:0005045, HP:0001639.
Cardiomyopathy (CMYO). Also called: Cardiomyopathies. Identifiers: Orphanet 167848, MedGen C0878544, MONDO:0004994, HP:0001638. Inheritance: Various modes of inheritance.

Allele frequency attached by ClinVar (database versions not stated): TOPMed 0.00001.

Submissions (2):

Labcorp Genetics (formerly Invitae), Labcorp
Classification: Likely benign for Hypertrophic cardiomyopathy. Last evaluated: 2024-05-20. Review status: criteria provided, single submitter. Criteria: Invitae Variant Classification Sherloc (09022015). Collection method: clinical testing. Allele origin: germline.

All of Us Research Program, National Institutes of Health
Classification: Likely benign for Cardiomyopathy. Last evaluated: 2024-04-16. Review status: criteria provided, single submitter. Criteria: ACMG Guidelines, 2015. Collection method: clinical testing. Allele origin: germline. Inheritance: Autosomal dominant inheritance. Observed: 1 variant allele, 1 heterozygote.
Comment: This study involves interpretation of variants in research participants for the purpose of population health screening. Participant phenotype was not available at the time of variant classification. Additional details can be found in publication PMID: 35346344, PMCID: PMC8962531

NM_000257.4(MYH7):c.2163-9C>A

Gene: MYH7 (myosin heavy chain 7; minus strand). Cytogenetic location: 14q11.2.
Variant type: single nucleotide variant.
Coding change: c.2163-9C>A on transcript NM_000257.4 (MANE Select); 9 bases into the intron before coding-DNA position 2163, C replaced by A.
Molecular consequence: intron variant.
Genome position (GRCh38, 1-based): chr14:23,425,827, G>T on the plus strand (C>A on the coding strand, the complement: MYH7 is on the minus strand). VCF-style: chr14-23425827-G-T. GRCh37 (hg19) VCF-style: chr14-23895036-G-T.
Other names: c.2163-9C>A (NM_001407004.1).
Identifiers: ClinVar variation 2892754 (VCV002892754.4), dbSNP rs1892675145, ClinGen allele CA2123458766.
Genomic context (GRCh38, chr14:23,425,827, plus strand): 5'-GCTATCAATGAACTGTCCCTCAGGGATGGCCGCTGGGTTCAGGATGCGATACCTGAGGAG[G>T]GAAGTGTCCAGAGTCACCCATGCTCTGCAGTGATCTGCTCTGCCCATAGAATTCCAGGGT-3'